The following is an entry in ClinVar:

NM_001556.3(IKBKB):c.1170T>C (p.Phe390=)

Gene: IKBKB (inhibitor of nuclear factor kappa B kinase subunit beta; plus strand). Cytogenetic location: 8p11.21.
Variant type: single nucleotide variant.
Coding change: c.1170T>C on transcript NM_001556.3 (MANE Select); coding-DNA position 1170, T replaced by C.
Protein change: p.Phe390=; no amino-acid change (phenylalanine 390 retained).
Molecular consequence: synonymous variant. On other transcripts: non-coding transcript variant (2).
Genome position (GRCh38, 1-based): chr8:42,317,701, T>C. VCF-style: chr8-42317701-T-C. GRCh37 (hg19) VCF-style: chr8-42175219-T-C.
Other names: c.978T>C, p.Phe326= (NM_001190720.3); c.993T>C, p.Phe331= (NM_001242778.2).
Identifiers: ClinVar variation 2826395 (VCV002826395.3), dbSNP rs2487667912, ClinGen allele CA460553913.
Genomic context (GRCh38, chr8:42,317,701, plus strand): 5'-CCTTGTCCCTTTGCAGTTAAATGAGGGCCACACATTGGACATGGATCTTGTTTTTCTCTT[T>C]GACAACAGTAAAATCACCTATGAGACTCAGATCTCCCCACGGCCCCAACCTGAAAGTGTC-3'
Protein context (NP_001547.1, residues 380-400): HTLDMDLVFL[Phe390=]DNSKITYETQ

ClinVar aggregate classification (germline): Uncertain significance (1 of 4 stars; one submission).

Conditions:
Severe combined immunodeficiency due to IKK2 deficiency. Also called: Immunodeficiency 15; IMMUNODEFICIENCY 15B. Identifiers: Orphanet 397787, MedGen C4747743, MONDO:0014267, OMIM 615592.

Submission:

Labcorp Genetics (formerly Invitae), Labcorp
Classification: Uncertain significance for Severe combined immunodeficiency due to IKK2 deficiency. Last evaluated: 2023-01-09. Review status: criteria provided, single submitter. Criteria: Invitae Variant Classification Sherloc (09022015). Collection method: clinical testing. Allele origin: germline.
Comment: In summary, the available evidence is currently insufficient to determine the role of this variant in disease. Therefore, it has been classified as a Variant of Uncertain Significance. Algorithms developed to predict the effect of sequence changes on RNA splicing suggest that this variant may disrupt the consensus splice site. This variant has not been reported in the literature in individuals affected with IKBKB-related conditions. This variant is not present in population databases (gnomAD no frequency). This sequence change affects codon 390 of the IKBKB mRNA. It is a 'silent' change, meaning that it does not change the encoded amino acid sequence of the IKBKB protein.